The following is an entry in ClinVar:

NM_001206927.2(DNAH8):c.9290G>A (p.Ser3097Asn)

Gene: DNAH8 (dynein axonemal heavy chain 8; plus strand). Cytogenetic location: 6p21.2.
Variant type: single nucleotide variant.
Coding change: c.9290G>A on transcript NM_001206927.2 (MANE Select); coding-DNA position 9290, G replaced by A.
Protein change: p.Ser3097Asn; replaces serine 3097 with asparagine.
Molecular consequence: missense variant.
Genome position (GRCh38, 1-based): chr6:38,906,349, G>A. VCF-style: chr6-38906349-G-A. GRCh37 (hg19) VCF-style: chr6-38874125-G-A.
Other names: c.8639G>A, p.Ser2880Asn (NM_001371.4); short protein forms S2880N, S3097N.
Identifiers: ClinVar variation 3700025 (VCV003700025.2).

ClinVar aggregate classification (germline): Uncertain significance (1 of 4 stars; one submission).

Conditions:
Primary ciliary dyskinesia. Also called: Ciliary dyskinesia. Identifiers: Orphanet 244, MedGen C0008780, MONDO:0016575, HP:0012265.

gnomAD v4.1: 5 of 1,610,504 alleles (0.00031%); highest among the groups gnomAD compares: Admixed American, 0.0083%; no homozygotes.

Submission:

Labcorp Genetics (formerly Invitae), Labcorp
Classification: Uncertain significance for Primary ciliary dyskinesia. Last evaluated: 2024-10-07. Review status: criteria provided, single submitter. Criteria: Invitae Variant Classification Sherloc (09022015). Collection method: clinical testing. Allele origin: germline.
Comment: This sequence change replaces serine, which is neutral and polar, with asparagine, which is neutral and polar, at codon 3097 of the DNAH8 protein (p.Ser3097Asn). This variant is present in population databases (rs767800821, gnomAD 0.009%). This variant has not been reported in the literature in individuals affected with DNAH8-related conditions. Invitae Evidence Modeling of protein sequence and biophysical properties (such as structural, functional, and spatial information, amino acid conservation, physicochemical variation, residue mobility, and thermodynamic stability) indicates that this missense variant is expected to disrupt DNAH8 protein function with a positive predictive value of 80%. In summary, the available evidence is currently insufficient to determine the role of this variant in disease. Therefore, it has been classified as a Variant of Uncertain Significance.